The following is an entry in ClinVar:

ClinVar aggregate classification (germline): Pathogenic (1 of 4 stars; one submission).

Conditions:
Spastic paraplegia. Identifiers: MedGen C0037772, HP:0001258.

Submission:

Labcorp Genetics (formerly Invitae), Labcorp
Classification: Pathogenic for Spastic paraplegia. Last evaluated: 2023-06-20. Review status: criteria provided, single submitter. Criteria: Invitae Variant Classification Sherloc (09022015). Collection method: clinical testing. Allele origin: germline.
Comment: This sequence change creates a premature translational stop signal (p.Lys2418Valfs*3) in the ZFYVE26 gene. It is expected to result in an absent or disrupted protein product. Loss-of-function variants in ZFYVE26 are known to be pathogenic (PMID: 18394578, 19805727). For these reasons, this variant has been classified as Pathogenic. This variant has not been reported in the literature in individuals affected with ZFYVE26-related conditions. This variant is not present in population databases (gnomAD no frequency).

Literature cited by the submitters: PubMed 18394578; PubMed 19805727.

NM_015346.4(ZFYVE26):c.7251_7252del (p.Lys2418fs)

Gene: ZFYVE26 (zinc finger FYVE-type containing 26; minus strand). Cytogenetic location: 14q24.1.
Variant type: Microsatellite.
Coding change: c.7251_7252del on transcript NM_015346.4 (MANE Select); coding-DNA positions 7251 to 7252, 2 bases deleted (GA; older notation c.7251_7252delGA).
Protein change: p.Lys2418fs; shifts the reading frame from lysine 2418.
Molecular consequence: frameshift variant.
Genome position (GRCh38, 1-based): chr14:67,752,463-67,752,464, TC deleted on the plus strand (GA on the coding strand, the reverse complement: ZFYVE26 is on the minus strand); deleting any 2 consecutive bases within chr14:67,752,463-67,752,467 gives the same sequence; the c. name uses the placement nearest the transcript's 3' end. VCF-style (leftmost placement, unchanged base first): chr14-67752462-TTC-T. GRCh37 (hg19) VCF-style: chr14-68219179-TTC-T.
Other names: short protein forms K2418fs.
Identifiers: ClinVar variation 2703375 (VCV002703375.3), dbSNP rs2503929383, ClinGen allele CA2697553967.
Genomic context (GRCh38, chr14:67,752,462, plus strand): 5'-CTTTTGGCTGCCATGCCTGACTCACTGACACATTTGAGCAGTTGCTGGATCTCACTGTAC[TTC>T]TCTTTCTCCACCAACTGGCGGGCAGCTCTGCAGTAGGTCATGGCAGCATCCAGCTGGAAG-3'